The following is an entry in ClinVar:

ClinVar aggregate classification (germline): Uncertain significance (1 of 4 stars; one submission).

Allele frequency attached by ClinVar (database versions not stated): gnomAD exomes below 0.00001.
gnomAD v4.1: 2 of 1,608,684 alleles (0.00012%); highest among the groups gnomAD compares: Non-Finnish European, 0.00017%; no homozygotes.

Submission:

Ambry Genetics
Classification: Uncertain significance. Last evaluated: 2021-07-14. Review status: criteria provided, single submitter. Criteria: Ambry Variant Classification Scheme 2023. Collection method: clinical testing. Allele origin: germline.
Comment: The p.T920I variant (also known as c.2759C>T), located in coding exon 24 of the PRKDC gene, results from a C to T substitution at nucleotide position 2759. The threonine at codon 920 is replaced by isoleucine, an amino acid with similar properties. This amino acid position is conserved. In addition, this alteration is predicted to be tolerated by in silico analysis. Since supporting evidence is limited at this time, the clinical significance of this alteration remains unclear.

NM_006904.7(PRKDC):c.2759C>T (p.Thr920Ile)

Gene: PRKDC (protein kinase, DNA-activated, catalytic subunit; minus strand). Cytogenetic location: 8q11.21.
Variant type: single nucleotide variant.
Coding change: c.2759C>T on transcript NM_006904.7 (MANE Select); coding-DNA position 2759, C replaced by T.
Protein change: p.Thr920Ile; replaces threonine 920 with isoleucine.
Molecular consequence: missense variant.
Genome position (GRCh38, 1-based): chr8:47,913,923, G>A on the plus strand (C>T on the coding strand, the complement: PRKDC is on the minus strand). VCF-style: chr8-47913923-G-A. GRCh37 (hg19) VCF-style: chr8-48826483-G-A.
Other names: c.2759C>T, p.Thr920Ile (NM_001081640.2); short protein forms T920I.
Identifiers: ClinVar variation 1795640 (VCV001795640.2), dbSNP rs1267683222, ClinGen allele CA371159082.